The following is an entry in ClinVar:

ClinVar aggregate classification (germline): Uncertain significance. Review status: criteria provided, multiple submitters, no conflicts (2 of 4 stars). 3 submissions from 3 submitters: Uncertain significance (3). Last evaluated 2025-12-15.

Conditions:
Neuroblastoma, susceptibility to, 3. Also called: ALK-Related Neuroblastic Tumor Susceptibility. Identifiers: Orphanet 635, MedGen C2751681, MONDO:0013083, OMIM 613014.
Hereditary cancer-predisposing syndrome. Also called: Neoplastic Syndromes, Hereditary; Tumor predisposition; Hereditary Cancer Syndrome; Hereditary neoplastic syndrome. Identifiers: Orphanet 140162, MedGen C0027672, MeSH D009386, MONDO:0015356.

Submissions (3):

Labcorp Genetics (formerly Invitae), Labcorp
Classification: Uncertain significance for Neuroblastoma, susceptibility to, 3. Last evaluated: 2025-12-15. Review status: criteria provided, single submitter. Criteria: Invitae Variant Classification Sherloc (09022015). Collection method: clinical testing. Allele origin: germline.
Comment: This sequence change replaces arginine, which is basic and polar, with lysine, which is basic and polar, at codon 284 of the ALK protein (p.Arg284Lys). This variant is not present in population databases (gnomAD no frequency). This variant has not been reported in the literature in individuals affected with ALK-related conditions. ClinVar contains an entry for this variant (Variation ID: 567496). An algorithm developed to predict the effect of missense changes on protein structure and function (PolyPhen-2) suggests that this variant is likely to be tolerated. In summary, the available evidence is currently insufficient to determine the role of this variant in disease. Therefore, it has been classified as a Variant of Uncertain Significance.

Ambry Genetics
Classification: Uncertain significance for Hereditary cancer-predisposing syndrome. Last evaluated: 2025-03-06. Review status: criteria provided, single submitter. Criteria: Ambry Variant Classification Scheme 2023. Collection method: clinical testing. Allele origin: germline.
Comment: The p.R284K variant (also known as c.851G>A), located in coding exon 3 of the ALK gene, results from a G to A substitution at nucleotide position 851. The arginine at codon 284 is replaced by lysine, an amino acid with highly similar properties. This amino acid position is conserved. In addition, this alteration is predicted to be tolerated by in silico analysis. Based on the available evidence, the clinical significance of this variant remains unclear.

Baylor Genetics
Classification: Uncertain significance for Neuroblastoma, susceptibility to, 3. Last evaluated: 2024-01-09. Review status: criteria provided, single submitter. Criteria: ACMG Guidelines, 2015. Collection method: clinical testing. Allele origin: unknown.

NM_004304.5(ALK):c.851G>A (p.Arg284Lys)

Gene: ALK (ALK receptor tyrosine kinase; minus strand). Cytogenetic location: 2p23.2.
Variant type: single nucleotide variant.
Coding change: c.851G>A on transcript NM_004304.5 (MANE Select); coding-DNA position 851, G replaced by A.
Protein change: p.Arg284Lys; replaces arginine 284 with lysine.
Molecular consequence: missense variant.
Genome position (GRCh38, 1-based): chr2:29,694,951, C>T on the plus strand (G>A on the coding strand, the complement: ALK is on the minus strand). VCF-style: chr2-29694951-C-T. GRCh37 (hg19) VCF-style: chr2-29917817-C-T.
Other names: short protein forms R284K.
Identifiers: ClinVar variation 567496 (VCV000567496.8), dbSNP rs1558446131, ClinGen allele CA346587014.
Genomic context (GRCh38, chr2:29,694,951, plus strand): 5'-AGCAAGTCCATCTGGGAGGCCTCCTCGGAGGGGATGCGGCGCCAGGACCAGCTCTGGTTC[C>T]TGAGGTCATGCAGTGGAGGGGAATACTCCAGCTCACAGGGGAAGTCAAAGCTGCACTCCA-3'
Protein context (NP_004295.2, residues 274-294): LEYSPPLHDL[Arg284Lys]NQSWSWRRIP